The following is an entry in ClinVar:

NM_006421.5(ARFGEF1):c.4627C>T (p.Arg1543Ter)

Gene: ARFGEF1 (ARF guanine nucleotide exchange factor 1; minus strand). Cytogenetic location: 8q13.2.
Variant type: single nucleotide variant.
Coding change: c.4627C>T on transcript NM_006421.5 (MANE Select); coding-DNA position 4627, C replaced by T.
Protein change: p.Arg1543Ter; replaces arginine 1543 with a stop codon.
Molecular consequence: nonsense. On other transcripts: non-coding transcript variant (1).
Genome position (GRCh38, 1-based): chr8:67,216,649, G>A on the plus strand (C>T on the coding strand, the complement: ARFGEF1 is on the minus strand). VCF-style: chr8-67216649-G-A. GRCh37 (hg19) VCF-style: chr8-68128884-G-A.
Other names: c.4627C>T, p.Arg1543Ter (NM_001413184.1, NM_001413185.1, NM_001413186.1 and 5 more transcripts); c.4027C>T, p.Arg1343Ter (NM_001413188.1, NM_001413193.1, NM_001413197.1); c.4621C>T, p.Arg1541Ter (NM_001413190.1); c.3202C>T, p.Arg1068Ter (NM_001413196.1); c.4627C>T (NM_006421.4); short protein forms R1068*, R1343*, R1541*, R1543*.
Identifiers: ClinVar variation 2627922 (VCV002627922.3), dbSNP rs749942462, ClinGen allele CA371187771.
Genomic context (GRCh38, chr8:67,216,649, plus strand): 5'-CCAATGGCTTTTCACTTACAGGAGATGGAGGTGGGGGGGCAGTTTCTCCAGAATTGGGTC[G>A]CCAGGTCAACAGCCTTTAAGATACCAAAACCACGTCAATCACTAGGGGGCTGTGCCACAT-3'

ClinVar aggregate classification (germline): Pathogenic. Review status: criteria provided, multiple submitters, no conflicts (2 of 4 stars). 3 submissions from 3 submitters: Pathogenic (2). 1 of the submissions does not count toward it. Last evaluated 2025-07-21.

Conditions:
Inborn genetic diseases. Identifiers: MedGen C0950123, MeSH D030342.
ARFGEF1-related disorder. Also called: ARFGEF1-related condition.
Developmental delay, impaired speech, and behavioral abnormalities, with or without seizures (DEDISB). Identifiers: MedGen C5575272, MONDO:0859263, OMIM 619964.

Submissions (3):

Ambry Genetics
Classification: Pathogenic for Inborn genetic diseases. Last evaluated: 2025-07-21. Review status: criteria provided, single submitter. Criteria: Ambry Variant Classification Scheme 2023. Collection method: clinical testing. Allele origin: germline.
Comment: The c.4627C>T (p.R1543*) alteration, located in exon 33 (coding exon 33) of the ARFGEF1 gene, consists of a C to T substitution at nucleotide position 4627. This changes the amino acid from an arginine (R) to a stop codon at amino acid position 1543. This alteration is expected to result in loss of function by premature protein truncation or nonsense-mediated mRNA decay. Based on data from gnomAD, the T allele has an overall frequency of <0.001% (1/244312) total alleles studied. The highest observed frequency was 0.004653% (1/21490) of alleles. Based on the available evidence, this alteration is classified as pathogenic.

Illumina Laboratory Services, Illumina
Classification: Pathogenic for Developmental delay, impaired speech, and behavioral abnormalities, with or without seizures. Last evaluated: 2023-06-19. Review status: criteria provided, single submitter. Criteria: ICSLVariantClassificationCriteria RUGD 01 April 2020. Collection method: clinical testing. Allele origin: unknown.
Comment: The ARFGEF1 c.4627C>T (p.Arg1543Ter) nonsense variant results in the loss of normal protein function through either protein truncation or nonsense-mediated mRNA decay. This variant has been identified in two unrelated individuals with autism (PMID: 34312540). This variant is reported in the Genome Aggregation Database in one allele at a frequency of 0.000046 in the European (Finnish) population. This variant has been shown to segregate with disease. Based on the available evidence, the c.4267C>T (p.Arg1543Ter) variant is classified as pathogenic for developmental delay, impaired speech, and behavioral abnormalities, with or without seizures.

PreventionGenetics, part of Exact Sciences
Classification: Likely pathogenic for ARFGEF1-related condition. Last evaluated: 2024-03-30. Review status: no assertion criteria provided. Collection method: clinical testing. Allele origin: germline. Not counted in ClinVar's aggregate classification.
Comment: The ARFGEF1 c.4627C>T variant is predicted to result in premature protein termination (p.Arg1543*). This variant was reported in an individual with autism (listed as chr8:67216649:G:A in Table S17, Wilfert et al. 2021. PubMed ID: 34312540). This variant is reported in 0.0047% of alleles in individuals of European (Finnish) descent in gnomAD. Nonsense variants in ARFGEF1 are expected to be pathogenic. This variant is interpreted as likely pathogenic.